The following is an entry in ClinVar:

ClinVar aggregate classification (germline): Uncertain significance (1 of 4 stars; one submission).

Submission:

Greenwood Genetic Center Diagnostic Laboratories, Greenwood Genetic Center
Classification: Uncertain significance. Last evaluated: 2024-08-08. Review status: criteria provided, single submitter. Criteria: ACMG Guidelines, 2015. Collection method: clinical testing. Allele origin: germline. Affected: yes.
Comment: PM2

NM_004606.5(TAF1):c.4716T>C (p.Asp1572=)

Gene: TAF1 (TATA-box binding protein associated factor 1; plus strand). Cytogenetic location: Xq13.1.
Variant type: single nucleotide variant.
Coding change: c.4716T>C on transcript NM_004606.5 (MANE Select); coding-DNA position 4716, T replaced by C.
Protein change: p.Asp1572=; no amino-acid change (aspartic acid 1572 retained).
Molecular consequence: synonymous variant. On other transcripts: non-coding transcript variant (9).
Genome position (GRCh38, 1-based): chrX:71,424,201, T>C. VCF-style: chrX-71424201-T-C. GRCh37 (hg19) VCF-style: chrX-70644051-T-C.
Other names: c.4716T>C, p.Asp1572= (NM_001286074.2); c.4653T>C, p.Asp1551= (NM_138923.4).
Identifiers: ClinVar variation 3765571 (VCV003765571.1).